The following is an entry in ClinVar:

NM_000257.4(MYH7):c.1188C>T (p.Leu396=)

Gene: MYH7 (myosin heavy chain 7; minus strand). Cytogenetic location: 14q11.2.
Variant type: single nucleotide variant.
Coding change: c.1188C>T on transcript NM_000257.4 (MANE Select); coding-DNA position 1188, C replaced by T.
Protein change: p.Leu396=; no amino-acid change (leucine 396 retained).
Molecular consequence: synonymous variant.
Genome position (GRCh38, 1-based): chr14:23,429,298, G>A on the plus strand (C>T on the coding strand, the complement: MYH7 is on the minus strand). VCF-style: chr14-23429298-G-A. GRCh37 (hg19) VCF-style: chr14-23898507-G-A.
Other names: c.1188C>T, p.Leu396= (NM_001407004.1).
Identifiers: ClinVar variation 2142897 (VCV002142897.17), dbSNP rs1458466127, ClinGen allele CA485625795.

ClinVar aggregate classification (germline): Likely benign. Review status: criteria provided, multiple submitters, no conflicts (2 of 4 stars). 5 submissions from 5 submitters: Likely benign (5). Last evaluated 2025-08-12.

Conditions:
Cardiovascular phenotype. Identifiers: MedGen CN230736.
Hypertrophic cardiomyopathy. Also called: HYPERTROPHIC MYOCARDIOPATHY. Identifiers: Orphanet 217569, MedGen C0007194, MeSH D002312, MONDO:0005045, HP:0001639.
Cardiomyopathy (CMYO). Also called: Cardiomyopathies. Identifiers: Orphanet 167848, MedGen C0878544, MONDO:0004994, HP:0001638. Inheritance: Various modes of inheritance.

Allele frequency attached by ClinVar (database versions not stated): gnomAD 0.00001; gnomAD exomes 0.00001; TOPMed 0.00001.
gnomAD v4.1: 7 of 1,614,082 alleles (0.00043%); highest among the groups gnomAD compares: Admixed American, 0.0083%; no homozygotes.

Submissions (5):

Ambry Genetics
Classification: Likely benign for Cardiovascular phenotype. Last evaluated: 2025-08-12. Review status: criteria provided, single submitter. Criteria: Ambry Variant Classification Scheme 2023. Collection method: clinical testing. Allele origin: germline.

CeGaT Center for Human Genetics Tuebingen
Classification: Likely benign. Last evaluated: 2025-05-01. Review status: criteria provided, single submitter. Criteria: CeGaT Center For Human Genetics Tuebingen Variant Classification Criteria Version 2. Collection method: clinical testing. Allele origin: germline. Affected: yes. Observed: 1 variant allele.
Comment: MYH7: BP4, BP7

Labcorp Genetics (formerly Invitae), Labcorp
Classification: Likely benign for Hypertrophic cardiomyopathy. Last evaluated: 2023-11-25. Review status: criteria provided, single submitter. Criteria: Invitae Variant Classification Sherloc (09022015). Collection method: clinical testing. Allele origin: germline.

All of Us Research Program, National Institutes of Health
Classification: Likely benign for Cardiomyopathy. Last evaluated: 2023-06-26. Review status: criteria provided, single submitter. Criteria: ACMG Guidelines, 2015. Collection method: clinical testing. Allele origin: germline. Inheritance: Autosomal dominant inheritance. Observed: 1 variant allele, 1 heterozygote.
Comment: This study involves interpretation of variants in research participants for the purpose of population health screening. Participant phenotype was not available at the time of variant classification. Additional details can be found in publication PMID: 35346344, PMCID: PMC8962531

Color Diagnostics, LLC DBA Color Health
Classification: Likely benign for Cardiomyopathy. Last evaluated: 2022-08-22. Review status: criteria provided, single submitter. Criteria: ACMG Guidelines, 2015. Collection method: clinical testing. Allele origin: germline.